The following is an entry in ClinVar:

ClinVar aggregate classification (germline): Uncertain significance (1 of 4 stars; one submission).

Submission:

GeneDx
Classification: Uncertain significance. Last evaluated: 2021-01-07. Review status: criteria provided, single submitter. Criteria: GeneDx Variant Classification Process June 2021. Collection method: clinical testing. Allele origin: germline. Affected: yes.
Comment: Not observed in large population cohorts (Lek et al., 2016); In silico analysis supports that this missense variant does not alter protein structure/function; Has not been previously published as pathogenic or benign to our knowledge

NM_000368.5(TSC1):c.3403C>G (p.Leu1135Val)

Gene: TSC1 (TSC complex subunit 1; minus strand). Cytogenetic location: 9q34.13.
Variant type: single nucleotide variant.
Coding change: c.3403C>G on transcript NM_000368.5 (MANE Select); coding-DNA position 3403, C replaced by G.
Protein change: p.Leu1135Val; replaces leucine 1135 with valine.
Molecular consequence: missense variant.
Genome position (GRCh38, 1-based): chr9:132,896,327, G>C on the plus strand (C>G on the coding strand, the complement: TSC1 is on the minus strand). VCF-style: chr9-132896327-G-C. GRCh37 (hg19) VCF-style: chr9-135771714-G-C.
Other names: c.3400C>G, p.Leu1134Val (NM_001162426.2); c.3250C>G, p.Leu1084Val (NM_001162427.2); c.3040C>G, p.Leu1014Val (NM_001362177.2); short protein forms L1014V, L1084V, L1134V, L1135V.
Identifiers: ClinVar variation 1313914 (VCV001313914.2), dbSNP rs749612772, ClinGen allele CA375366442.